The following is an entry in ClinVar:

NM_001374736.1(DST):c.14540A>C (p.Gln4847Pro)

Gene: DST (dystonin; minus strand). Cytogenetic location: 6p12.1.
Variant type: single nucleotide variant.
Coding change: c.14540A>C on transcript NM_001374736.1 (MANE Select); coding-DNA position 14540, A replaced by C.
Protein change: p.Gln4847Pro; replaces glutamine 4847 with proline.
Molecular consequence: missense variant.
Genome position (GRCh38, 1-based): chr6:56,557,419, T>G on the plus strand (A>C on the coding strand, the complement: DST is on the minus strand). VCF-style: chr6-56557419-T-G. GRCh37 (hg19) VCF-style: chr6-56422217-T-G.
Other names: c.8183A>C, p.Gln2728Pro (NM_001144769.5); c.7769A>C, p.Gln2590Pro (NM_001144770.2); c.14540A>C, p.Gln4847Pro (NM_001374722.1); c.13907A>C, p.Gln4636Pro (NM_001374729.1); c.7649A>C, p.Gln2550Pro (NM_001374730.1, NM_001386100.1, NM_183380.4); c.14567A>C, p.Gln4856Pro (NM_001374734.1); c.6671A>C, p.Gln2224Pro (NM_015548.5); short protein forms Q2550P, Q4636P, Q4847P, Q2224P, Q2728P, Q4856P, Q2590P.
Identifiers: ClinVar variation 1762321 (VCV001762321.2), dbSNP rs765360203, ClinGen allele CA3867993.

ClinVar aggregate classification (germline): Uncertain significance (1 of 4 stars; one submission).

Conditions:
Inborn genetic diseases. Identifiers: MedGen C0950123, MeSH D030342.

Allele frequency attached by ClinVar (database versions not stated): gnomAD exomes 0.00001; ExAC 0.00001.
gnomAD v4.1: 3 of 1,613,766 alleles (0.00019%); highest among the groups gnomAD compares: South Asian, 0.0011%; no homozygotes.

Submission:

Ambry Genetics
Classification: Uncertain significance for Inborn genetic diseases. Last evaluated: 2021-07-21. Review status: criteria provided, single submitter. Criteria: Ambry Variant Classification Scheme 2023. Collection method: clinical testing. Allele origin: germline.
Comment: The p.Q2728P variant (also known as c.8183A>C), located in coding exon 53 of the DST gene, results from an A to C substitution at nucleotide position 8183. The glutamine at codon 2728 is replaced by proline, an amino acid with similar properties. This amino acid position is highly conserved in available vertebrate species. In addition, the in silico prediction for this alteration is inconclusive. Since supporting evidence is limited at this time, the clinical significance of this alteration remains unclear.